The following is an entry in ClinVar:

NM_001371986.1(UNC80):c.6534C>G (p.Pro2178=)

Gene: UNC80 (unc-80 subunit of NALCN channel complex; plus strand). Cytogenetic location: 2q34.
Variant type: single nucleotide variant.
Coding change: c.6534C>G on transcript NM_001371986.1 (MANE Select); coding-DNA position 6534, C replaced by G.
Protein change: p.Pro2178=; no amino-acid change (proline 2178 retained).
Molecular consequence: synonymous variant.
Genome position (GRCh38, 1-based): chr2:209,939,540, C>G. VCF-style: chr2-209939540-C-G. GRCh37 (hg19) VCF-style: chr2-210804264-C-G.
Other names: c.6336C>G (NM_032504.1); c.6336C>G, p.Pro2112= (NM_032504.2); c.6321C>G, p.Pro2107= (NM_182587.4).
Identifiers: ClinVar variation 2903334 (VCV002903334.5), dbSNP rs2091480923, ClinGen allele CA431098366.

ClinVar aggregate classification (germline): Likely benign. Review status: criteria provided, single submitter (1 of 4 stars). 2 submissions from 2 submitters: Likely benign (1). 1 of the submissions does not count toward it. Last evaluated 2023-12-27.

Conditions:
UNC80-related disorder. Also called: UNC80-related condition.

Allele frequency attached by ClinVar (database versions not stated): TOPMed below 0.00001; gnomAD 0.00001.
gnomAD v4.1: 1 of 1,551,570 alleles (0.000064%); highest among the groups gnomAD compares: African/African-American, 0.0014%; no homozygotes.

Submissions (2):

Labcorp Genetics (formerly Invitae), Labcorp
Classification: Likely benign. Last evaluated: 2023-12-27. Review status: criteria provided, single submitter. Criteria: Invitae Variant Classification Sherloc (09022015). Collection method: clinical testing. Allele origin: germline.

PreventionGenetics, part of Exact Sciences
Classification: Likely benign for UNC80-related condition. Last evaluated: 2023-05-04. Review status: no assertion criteria provided. Collection method: clinical testing. Allele origin: germline. Not counted in ClinVar's aggregate classification.
Comment: This variant is classified as likely benign based on ACMG/AMP sequence variant interpretation guidelines (Richards et al. 2015 PMID: 25741868, with internal and published modifications).